The following is an entry in ClinVar:

ClinVar aggregate classification (germline): Uncertain significance (1 of 4 stars; one submission).

Conditions:
Cystic fibrosis (CF). Also called: MUCOVISCIDOSIS. Identifiers: Orphanet 586, MedGen C0010674, MONDO:0009061, OMIM 219700. Disease mechanism: loss of function.

gnomAD v4.1: 1 of 1,614,044 alleles (0.000062%); no homozygotes.

Submission:

Ambry Genetics
Classification: Uncertain significance for Cystic fibrosis. Last evaluated: 2024-08-10. Review status: criteria provided, single submitter. Criteria: Ambry Variant Classification Scheme 2023. Collection method: clinical testing. Allele origin: germline.
Comment: The p.P740R variant (also known as c.2219C>G), located in coding exon 14 of the CFTR gene, results from a C to G substitution at nucleotide position 2219. The proline at codon 740 is replaced by arginine, an amino acid with dissimilar properties. This amino acid position is conserved. In addition, this alteration is predicted to be deleterious by in silico analysis. Based on the available evidence, the clinical significance of this variant remains unclear.

NM_000492.4(CFTR):c.2219C>G (p.Pro740Arg)

Gene: CFTR (CF transmembrane conductance regulator; plus strand). Cytogenetic location: 7q31.2.
Variant type: single nucleotide variant.
Coding change: c.2219C>G on transcript NM_000492.4 (MANE Select); coding-DNA position 2219, C replaced by G.
Protein change: p.Pro740Arg; replaces proline 740 with arginine.
Molecular consequence: missense variant.
Genome position (GRCh38, 1-based): chr7:117,592,386, C>G. VCF-style: chr7-117592386-C-G. GRCh37 (hg19) VCF-style: chr7-117232440-C-G.
Other names: short protein forms P740R.
Identifiers: ClinVar variation 3491643 (VCV003491643.1).